The following is an entry in ClinVar:

NM_001378457.1(DMXL2):c.5119G>A (p.Ala1707Thr)

Gene: DMXL2 (Dmx like 2; minus strand). Cytogenetic location: 15q21.2.
Variant type: single nucleotide variant.
Coding change: c.5119G>A on transcript NM_001378457.1 (MANE Select); coding-DNA position 5119, G replaced by A.
Protein change: p.Ala1707Thr; replaces alanine 1707 with threonine.
Molecular consequence: missense variant. On other transcripts: non-coding transcript variant (2).
Genome position (GRCh38, 1-based): chr15:51,488,052, C>T on the plus strand (G>A on the coding strand, the complement: DMXL2 is on the minus strand). VCF-style: chr15-51488052-C-T. GRCh37 (hg19) VCF-style: chr15-51780249-C-T.
Other names: c.5119G>A, p.Ala1707Thr (NM_001174116.3, NM_001378458.1, NM_001378459.1 and 4 more transcripts); c.3211G>A, p.Ala1071Thr (NM_001174117.3); c.3100G>A, p.Ala1034Thr (NM_001378460.1); c.4879G>A, p.Ala1627Thr (NM_001378464.1); short protein forms A1034T, A1071T, A1627T, A1707T.
Identifiers: ClinVar variation 4070832 (VCV004070832.1).

ClinVar aggregate classification (germline): Uncertain significance (1 of 4 stars; one submission).

Submission:

GeneDx
Classification: Uncertain significance. Last evaluated: 2025-01-16. Review status: criteria provided, single submitter. Criteria: GeneDx Variant Classification Process June 2021. Collection method: clinical testing. Allele origin: germline. Affected: yes.
Comment: Not observed at significant frequency in large population cohorts (gnomAD); In silico analysis supports that this missense variant has a deleterious effect on protein structure/function; Has not been previously published as pathogenic or benign to our knowledge